The following is an entry in ClinVar:

NM_170784.3(MKKS):c.889dup (p.Ile297fs)

Gene: MKKS (MKKS centrosomal shuttling protein; minus strand). Cytogenetic location: 20p12.2.
Variant type: Duplication.
Coding change: c.889dup on transcript NM_170784.3 (MANE Select); coding-DNA position 889, one base duplicated (A; older notation c.889dupA).
Protein change: p.Ile297fs; shifts the reading frame from isoleucine 297.
Molecular consequence: frameshift variant.
Genome position (GRCh38, 1-based): chr20:10,412,626, T duplicated on the plus strand (A on the coding strand, the reverse complement: MKKS is on the minus strand). VCF-style (leftmost placement, unchanged base first): chr20-10412625-A-AT. GRCh37 (hg19) VCF-style: chr20-10393273-A-AT.
Other names: c.889dup, p.Ile297fs (NM_018848.3); short protein forms I297fs.
Identifiers: ClinVar variation 1379642 (VCV001379642.6), dbSNP rs2122233990, ClinGen allele CA2573156829.

ClinVar aggregate classification (germline): Pathogenic (1 of 4 stars; one submission).

Conditions:
Bardet-Biedl syndrome (BBS). Identifiers: Orphanet 110, MedGen C0752166, MONDO:0015229.
McKusick-Kaufman syndrome (MKKS). Also called: HYDROMETROCOLPOS SYNDROME; HYDROMETROCOLPOS, POSTAXIAL POLYDACTYLY, AND CONGENITAL HEART MALFORMATION. Identifiers: Orphanet 2473, MedGen C0948368, MONDO:0009367, OMIM 236700.

Submission:

Labcorp Genetics (formerly Invitae), Labcorp
Classification: Pathogenic for McKusick-Kaufman syndrome; Bardet-Biedl syndrome. Last evaluated: 2024-01-22. Review status: criteria provided, single submitter. Criteria: Invitae Variant Classification Sherloc (09022015). Collection method: clinical testing. Allele origin: germline.
Comment: This sequence change creates a premature translational stop signal (p.Ile297Asnfs*30) in the MKKS gene. It is expected to result in an absent or disrupted protein product. Loss-of-function variants in MKKS are known to be pathogenic (PMID: 11179009, 28761321, 30614526). This variant is not present in population databases (gnomAD no frequency). This variant has not been reported in the literature in individuals affected with MKKS-related conditions. ClinVar contains an entry for this variant (Variation ID: 1379642). Algorithms developed to predict the effect of sequence changes on RNA splicing suggest that this variant may disrupt the consensus splice site. For these reasons, this variant has been classified as Pathogenic.

Literature cited by the submitters: PubMed 11179009; PubMed 28761321; PubMed 30614526.